The following is an entry in ClinVar:

ClinVar aggregate classification (germline): Uncertain significance (1 of 4 stars; one submission).

Conditions:
Autosomal recessive limb-girdle muscular dystrophy type 2J (LGMDR10). Also called: Limb-girdle muscular dystrophy, type 2J; MUSCULAR DYSTROPHY, LIMB-GIRDLE, AUTOSOMAL RECESSIVE 10. Identifiers: Orphanet 140922, MedGen C1837342, MONDO:0012127, OMIM 608807.
Dilated cardiomyopathy 1G (CMD1G). Identifiers: Orphanet 154, MedGen C1858763, MONDO:0011400, OMIM 604145.

Submission:

Labcorp Genetics (formerly Invitae), Labcorp
Classification: Uncertain significance for Dilated cardiomyopathy 1G; Autosomal recessive limb-girdle muscular dystrophy type 2J. Last evaluated: 2022-10-27. Review status: criteria provided, single submitter. Criteria: Invitae Variant Classification Sherloc (09022015). Collection method: clinical testing. Allele origin: unknown.
Comment: In summary, the available evidence is currently insufficient to determine the role of this variant in disease. Therefore, it has been classified as a Variant of Uncertain Significance. This variant has not been reported in the literature in individuals affected with TTN-related conditions. This variant is a gross deletion of the genomic region encompassing exon(s) 169-209 of the TTN gene. This variant would be expected to be in-frame, preserving the integrity of the reading frame. This variant disrupts the I band(s) of TTN (PMID: 25589632). Copy number variants in TTN have been previously reported in individuals affected with neuromuscular disorders (PMID: 29792937, 30238059), but the functional significance of this variant is currently unknown.

Literature cited by the submitters: PubMed 25589632; PubMed 29792937; PubMed 30238059.

NC_000002.11:g.(?_179515458)_(179528845_?)del

Gene: TTN (titin; minus strand). Cytogenetic location: 2q31.2.
Variant type: Deletion.
Identifiers: ClinVar variation 3247283 (VCV003247283.1).